The following is an entry in ClinVar:

NM_002951.5(RPN2):c.873A>G (p.Gln291=)

Gene: RPN2 (ribophorin II; plus strand). Cytogenetic location: 20q11.23.
Variant type: single nucleotide variant.
Coding change: c.873A>G on transcript NM_002951.5 (MANE Select); coding-DNA position 873, A replaced by G.
Protein change: p.Gln291=; no amino-acid change (glutamine 291 retained).
Molecular consequence: synonymous variant.
Genome position (GRCh38, 1-based): chr20:37,210,052, A>G. VCF-style: chr20-37210052-A-G. GRCh37 (hg19) VCF-style: chr20-35838455-A-G.
Other names: c.777A>G, p.Gln259= (NM_001135771.3); c.873A>G, p.Gln291= (NM_001324299.2, NM_001324302.2, NM_001324303.2 and 1 more transcripts); c.921A>G, p.Gln307= (NM_001324301.2, NM_001324305.2); c.402A>G, p.Gln134= (NM_001324306.2).
Identifiers: ClinVar variation 2792150 (VCV002792150.3), dbSNP rs776801848, ClinGen allele CA9847017.
Genomic context (GRCh38, chr20:37,210,052, plus strand): 5'-AATTCTCTGCTCCTGTAGCCTTTGTTGTAACAAATAATTTTTTATTTATTTCCAGTTGCA[A>G]GTCACCAATGTTCTGTCTCAGCCTCTGACTCAGGCCACTGTTAAACTAGAACATGCTAAA-3'
Protein context (NP_002942.2, residues 281-301): DTHEQAILRL[Gln291=]VTNVLSQPLT

ClinVar aggregate classification (germline): Uncertain significance (1 of 4 stars; one submission).

Conditions:
Congenital disorder of glycosylation (CDG). Also called: Carbohydrate-deficient glycoprotein syndrome; Congenital disorders of glycosylation. Identifiers: Orphanet 137, MedGen C0282577, MONDO:0015286.

Allele frequency attached by ClinVar (database versions not stated): gnomAD exomes below 0.00001; ExAC 0.00001.
gnomAD v4.1: 2 of 1,614,012 alleles (0.00012%); highest among the groups gnomAD compares: African/African-American, 0.0013%; no homozygotes.

Submission:

Labcorp Genetics (formerly Invitae), Labcorp
Classification: Uncertain significance for Congenital disorder of glycosylation. Last evaluated: 2023-07-04. Review status: criteria provided, single submitter. Criteria: Invitae Variant Classification Sherloc (09022015). Collection method: clinical testing. Allele origin: germline.
Comment: This sequence change affects codon 291 of the RPN2 mRNA. It is a 'silent' change, meaning that it does not change the encoded amino acid sequence of the RPN2 protein. This variant is present in population databases (rs776801848, gnomAD 0.007%). This variant has not been reported in the literature in individuals affected with RPN2-related conditions. Algorithms developed to predict the effect of sequence changes on RNA splicing suggest that this variant may create or strengthen a splice site. In summary, the available evidence is currently insufficient to determine the role of this variant in disease. Therefore, it has been classified as a Variant of Uncertain Significance.